The following is an entry in ClinVar:

ClinVar aggregate classification (germline): Uncertain significance (1 of 4 stars; one submission).

Submission:

Labcorp Genetics (formerly Invitae), Labcorp
Classification: Uncertain significance. Last evaluated: 2022-10-12. Review status: criteria provided, single submitter. Criteria: Invitae Variant Classification Sherloc (09022015). Collection method: clinical testing. Allele origin: germline.
Comment: This sequence change replaces serine, which is neutral and polar, with asparagine, which is neutral and polar, at codon 216 of the VPS33A protein (p.Ser216Asn). In summary, the available evidence is currently insufficient to determine the role of this variant in disease. Therefore, it has been classified as a Variant of Uncertain Significance. Advanced modeling of protein sequence and biophysical properties (such as structural, functional, and spatial information, amino acid conservation, physicochemical variation, residue mobility, and thermodynamic stability) performed at Invitae indicates that this missense variant is not expected to disrupt VPS33A protein function. ClinVar contains an entry for this variant (Variation ID: 1423450). This variant has not been reported in the literature in individuals affected with VPS33A-related conditions. This variant is not present in population databases (gnomAD no frequency).

NM_022916.6(VPS33A):c.647G>A (p.Ser216Asn)

Gene: VPS33A (VPS33A core subunit of CORVET and HOPS complexes; minus strand). Cytogenetic location: 12q24.31.
Variant type: single nucleotide variant.
Coding change: c.647G>A on transcript NM_022916.6 (MANE Select); coding-DNA position 647, G replaced by A.
Protein change: p.Ser216Asn; replaces serine 216 with asparagine.
Molecular consequence: missense variant.
Genome position (GRCh38, 1-based): chr12:122,249,999, C>T on the plus strand (G>A on the coding strand, the complement: VPS33A is on the minus strand). VCF-style: chr12-122249999-C-T. GRCh37 (hg19) VCF-style: chr12-122734546-C-T.
Other names: c.614G>A, p.Ser205Asn (NM_001351018.2); c.599G>A, p.Ser200Asn (NM_001351019.2); c.647G>A, p.Ser216Asn (NM_001351020.2); short protein forms S205N, S216N, S200N.
Identifiers: ClinVar variation 1423450 (VCV001423450.8), dbSNP rs2136137724, ClinGen allele CA387016676.
Genomic context (GRCh38, chr12:122,249,999, plus strand): 5'-AAATCCACATTCCGATCAAGCAACAAGAGATTATCAAAAACAGGAAATATTGAATTCTGG[C>T]TTCCTGTAAACTCTCTCTTCATCCTGATCATCATATTGGCCACTTGCTGGAAACAAAACA-3'
Protein context (NP_075067.2, residues 206-226): MIRMKREFTG[Ser216Asn]QNSIFPVFDN